The following is an entry in ClinVar:

NM_000081.4(LYST):c.1111C>T (p.Pro371Ser)

Gene: LYST (lysosomal trafficking regulator; minus strand). Cytogenetic location: 1q42.3.
Variant type: single nucleotide variant.
Coding change: c.1111C>T on transcript NM_000081.4 (MANE Select); coding-DNA position 1111, C replaced by T.
Protein change: p.Pro371Ser; replaces proline 371 with serine.
Molecular consequence: missense variant.
Genome position (GRCh38, 1-based): chr1:235,809,707, G>A on the plus strand (C>T on the coding strand, the complement: LYST is on the minus strand). VCF-style: chr1-235809707-G-A. GRCh37 (hg19) VCF-style: chr1-235973007-G-A.
Other names: c.1111C>T, p.Pro371Ser (NM_001301365.1); short protein forms P371S.
Identifiers: ClinVar variation 582830 (VCV000582830.8), dbSNP rs771833094, ClinGen allele CA39617999.

ClinVar aggregate classification (germline): Uncertain significance (1 of 4 stars; one submission).

Conditions:
Chédiak-Higashi syndrome (CHS). Also called: Chediak-Higashi Syndrome. Identifiers: Orphanet 167, MedGen C0007965, MONDO:0008963, OMIM 214500.

Allele frequency attached by ClinVar (database versions not stated): TOPMed below 0.00001.

Submission:

Labcorp Genetics (formerly Invitae), Labcorp
Classification: Uncertain significance for Chédiak-Higashi syndrome. Last evaluated: 2021-05-16. Review status: criteria provided, single submitter. Criteria: Invitae Variant Classification Sherloc (09022015). Collection method: clinical testing. Allele origin: germline.
Comment: This sequence change replaces proline with serine at codon 371 of the LYST protein (p.Pro371Ser). The proline residue is moderately conserved and there is a moderate physicochemical difference between proline and serine. This variant is not present in population databases (ExAC no frequency). This variant has not been reported in the literature in individuals with LYST-related disease. Algorithms developed to predict the effect of missense changes on protein structure and function output the following: SIFT: "Tolerated"; PolyPhen-2: "Possibly Damaging"; Align-GVGD: "Class C0". The serine amino acid residue is found in multiple mammalian species, suggesting that this missense change does not adversely affect protein function. These predictions have not been confirmed by published functional studies and their clinical significance is uncertain. In summary, the available evidence is currently insufficient to determine the role of this variant in disease. Therefore, it has been classified as a Variant of Uncertain Significance.